The following is an entry in ClinVar:

NM_000785.4(CYP27B1):c.422dup (p.Ala142fs)

Gene: CYP27B1 (cytochrome P450 family 27 subfamily B member 1; minus strand). Cytogenetic location: 12q14.1.
Variant type: Duplication.
Coding change: c.422dup on transcript NM_000785.4 (MANE Select); coding-DNA position 422, one base duplicated (T; older notation c.422dupT).
Protein change: p.Ala142fs; shifts the reading frame from alanine 142.
Molecular consequence: frameshift variant.
Genome position (GRCh38, 1-based): chr12:57,765,464, A duplicated on the plus strand (T on the coding strand, the reverse complement: CYP27B1 is on the minus strand). VCF-style (leftmost placement, unchanged base first): chr12-57765463-C-CA. GRCh37 (hg19) VCF-style: chr12-58159246-C-CA.
Other names: short protein forms A142fs.
Identifiers: ClinVar variation 2743897 (VCV002743897.3), dbSNP rs2540917603, ClinGen allele CA2697559314.

ClinVar aggregate classification (germline): Pathogenic (1 of 4 stars; one submission).

Submission:

Labcorp Genetics (formerly Invitae), Labcorp
Classification: Pathogenic. Last evaluated: 2023-07-16. Review status: criteria provided, single submitter. Criteria: Invitae Variant Classification Sherloc (09022015). Collection method: clinical testing. Allele origin: germline.
Comment: This variant has not been reported in the literature in individuals affected with CYP27B1-related conditions. For these reasons, this variant has been classified as Pathogenic. This variant is not present in population databases (gnomAD no frequency). This sequence change creates a premature translational stop signal (p.Ala142Glyfs*191) in the CYP27B1 gene. It is expected to result in an absent or disrupted protein product. Loss-of-function variants in CYP27B1 are known to be pathogenic (PMID: 9837822, 17488797).

Literature cited by the submitters: PubMed 9837822; PubMed 17488797.